The following is an entry in ClinVar:

NM_000246.4(CIITA):c.1957C>A (p.Pro653Thr)

Gene: CIITA (class II major histocompatibility complex transactivator; plus strand). Cytogenetic location: 16p13.13.
Variant type: single nucleotide variant.
Coding change: c.1957C>A on transcript NM_000246.4 (MANE Select); coding-DNA position 1957, C replaced by A.
Protein change: p.Pro653Thr; replaces proline 653 with threonine.
Molecular consequence: missense variant. On other transcripts: intron variant (1).
Genome position (GRCh38, 1-based): chr16:10,907,449, C>A. VCF-style: chr16-10907449-C-A. GRCh37 (hg19) VCF-style: chr16-11001306-C-A.
Other names: c.1960C>A, p.Pro654Thr (NM_001286402.1, NM_001379332.1); c.1813C>A, p.Pro605Thr (NM_001379330.1); c.1810C>A, p.Pro604Thr (NM_001379331.1); c.1957C>A, p.Pro653Thr (NM_001379333.1); c.1888C>A, p.Pro630Thr (NM_001379334.1); c.860-1534C>A (NM_001286403.2); short protein forms P653T, P654T, P604T, P605T, P630T.
Identifiers: ClinVar variation 102995 (VCV000102995.9), dbSNP rs199476071, ClinGen allele CA229965.

ClinVar aggregate classification (germline): Uncertain significance. Review status: criteria provided, single submitter (1 of 4 stars). 2 submissions from 2 submitters: Uncertain significance (1). 1 of the submissions does not count toward it. Last evaluated 2021-09-02.

Conditions:
MHC class II deficiency. Also called: Bare lymphocyte syndrome 2; BLS, TYPE II. Identifiers: Orphanet 572, MedGen C5447452, MONDO:0008855.

Allele frequency attached by ClinVar (database versions not stated): gnomAD 0.00001.
gnomAD v4.1: 5 of 1,613,052 alleles (0.00031%); highest among the groups gnomAD compares: South Asian, 0.0033%; no homozygotes.

Submissions (2):

Labcorp Genetics (formerly Invitae), Labcorp
Classification: Uncertain significance for MHC class II deficiency. Last evaluated: 2021-09-02. Review status: criteria provided, single submitter. Criteria: Invitae Variant Classification Sherloc (09022015). Collection method: clinical testing. Allele origin: germline.
Comment: This sequence change replaces proline with threonine at codon 653 of the CIITA protein (p.Pro653Thr). The proline residue is moderately conserved and there is a small physicochemical difference between proline and threonine. This variant is present in population databases (rs199476071, ExAC 0.002%). This variant has not been reported in the literature in individuals affected with CIITA-related conditions. ClinVar contains an entry for this variant (Variation ID: 102995). Algorithms developed to predict the effect of missense changes on protein structure and function are either unavailable or do not agree on the potential impact of this missense change (SIFT: "Tolerated"; PolyPhen-2: "Possibly Damaging"; Align-GVGD: "Class C0"). In summary, the available evidence is currently insufficient to determine the role of this variant in disease. Therefore, it has been classified as a Variant of Uncertain Significance.

Human Evolutionary Genetics, Institut Pasteur
No classification provided. Review status: no classification provided. Collection method: not provided. Allele origin: germline. Not counted in ClinVar's aggregate classification.
ClinVar note: Converted during submission from untested to not provided.